The following is an entry in ClinVar:

ClinVar aggregate classification (germline): Likely pathogenic (1 of 4 stars; one submission).

Conditions:
Congenital sideroblastic anemia-B-cell immunodeficiency-periodic fever-developmental delay syndrome. Also called: Sideroblastic anemia with B-cell immunodeficiency, periodic fevers, and developmental delay. Identifiers: Orphanet 369861, MedGen C4015172, MONDO:0014487, OMIM 616084.

gnomAD v4.1: 1 of 1,612,782 alleles (0.000062%); highest among the groups gnomAD compares: Non-Finnish European, 0.000085%; no homozygotes.

Submission:

Victorian Clinical Genetics Services, Murdoch Childrens Research Institute
Classification: Likely pathogenic for Congenital sideroblastic anemia-B-cell immunodeficiency-periodic fever-developmental delay syndrome. Last evaluated: 2024-11-12. Review status: criteria provided, single submitter. Criteria: ACMG Guidelines, 2015. Collection method: clinical testing. Allele origin: germline. Affected: yes.
Comment: This variant is classified as Likely pathogenic. Evidence in support of pathogenic classification: Canonical splice site variant without proven consequence on splicing (no functional evidence available); Variant is present in gnomAD <0.01 for a recessive condition (v4: 1 heterozygote(s), 0 homozygote(s)); Abnormal splicing is predicted by in silico tool and affected nucleotide is highly conserved. Additional information: This variant is heterozygous; This gene is associated with autosomal recessive disease; This variant has no previous evidence of pathogenicity; No published segregation evidence has been identified for this variant; No published functional evidence has been identified for this variant; No comparable splice site variants have previous evidence for pathogenicity; Loss of function is a known mechanism of disease in this gene and is associated with sideroblastic anaemia with B-cell immunodeficiency, periodic fevers, and developmental delay (MIM#616084) and retinitis pigmentosa and erythrocytic microcytosis (MIM#616959); Inheritance information for this variant is not currently available in this individual.

NM_182916.3(TRNT1):c.803-2A>G

Gene: TRNT1 (tRNA nucleotidyl transferase 1; plus strand). Cytogenetic location: 3p26.2.
Variant type: single nucleotide variant.
Coding change: c.803-2A>G on transcript NM_182916.3 (MANE Select); the canonical splice acceptor site of the intron before coding-DNA position 803, A replaced by G.
Molecular consequence: splice acceptor variant.
Genome position (GRCh38, 1-based): chr3:3,147,448, A>G. VCF-style: chr3-3147448-A-G. GRCh37 (hg19) VCF-style: chr3-3189132-A-G.
Other names: c.743-2A>G (NM_001302946.2); c.803-2A>G (NM_001367321.1, NM_001367323.1, NM_001367322.1).
Identifiers: ClinVar variation 4531890 (VCV004531890.1).
Genomic context (GRCh38, chr3:3,147,448, plus strand): 5'-TAGGATATGAGTGGTTTTTTATCCCCACTAAAAACAGGTGAAAAATGCTTTTGTCCCTAC[A>G]GGTTTACCTGCTAATGCAAGTTTAGAAGAATTTGACAAAGTCAGTAAAAATGTTGATGGT-3'